The following is an entry in ClinVar:

NM_001267550.2(TTN):c.95558G>A (p.Arg31853His)

Genes: TTN (titin; minus strand), TTN-AS1 (TTN antisense RNA 1; plus strand). Cytogenetic location: 2q31.2.
Variant type: single nucleotide variant.
Coding change: c.95558G>A on transcript NM_001267550.2 (MANE Select); coding-DNA position 95558, G replaced by A.
Protein change: p.Arg31853His; replaces arginine 31853 with histidine.
Molecular consequence: missense variant.
Genome position (GRCh38, 1-based): chr2:178,545,552, C>T on the plus strand (G>A on the coding strand, the complement: TTN is on the minus strand). VCF-style: chr2-178545552-C-T. GRCh37 (hg19) VCF-style: chr2-179410279-C-T.
Other names: p.Arg30212His; c.68363G>A, p.Arg22788His (NM_003319.4); c.87854G>A, p.Arg29285His (NM_133378.4); c.68738G>A, p.Arg22913His (NM_133432.3); c.68939G>A, p.Arg22980His (NM_133437.4); c.90635G>A, p.Arg30212His (NM_001256850.1); short protein forms R22788H, R22913H, R22980H, R29285H, R30212H, R31853H.
Identifiers: ClinVar variation 1329222 (VCV001329222.4), dbSNP rs754151944, ClinGen allele CA1986930.

ClinVar aggregate classification (germline): Conflicting classifications of pathogenicity. Review status: criteria provided, conflicting classifications (1 of 4 stars). 3 submissions from 3 submitters: Uncertain significance (2); Likely benign (1). Last evaluated 2026-09-21.

Conditions:
Cardiomyopathy (CMYO). Also called: Cardiomyopathies. Identifiers: Orphanet 167848, MedGen C0878544, MONDO:0004994, HP:0001638. Inheritance: Various modes of inheritance.

Allele frequency attached by ClinVar (database versions not stated): gnomAD exomes 0.00004 and 0.00001; TOPMed 0.00003; ExAC 0.00005; gnomAD 0.00011.
gnomAD v4.1: 37 of 1,613,622 alleles (0.0023%); highest among the groups gnomAD compares: East Asian, 0.0067%; no homozygotes.

Submissions (3):

Molecular Diagnostic Laboratory for Inherited Cardiovascular Disease, Montreal Heart Institute
Classification: Likely benign. Last evaluated: 2026-09-21. Review status: criteria provided, single submitter. Criteria: ACMG Guidelines, 2015. Collection method: clinical testing. Allele origin: germline. Affected: no.
Comment: BP1

Mayo Clinic Laboratories, Mayo Clinic
Classification: Uncertain significance. Last evaluated: 2025-01-31. Review status: criteria provided, single submitter. Criteria: ACMG Guidelines, 2015. Collection method: clinical testing. Allele origin: germline. Observed: 1 variant allele.
Comment: BP4_strong

CHEO Genetics Diagnostic Laboratory, Children's Hospital of Eastern Ontario
Classification: Uncertain significance for Cardiomyopathy. Last evaluated: 2020-10-21. Review status: criteria provided, single submitter. Criteria: ACMG Guidelines, 2015. Collection method: clinical testing. Allele origin: germline.